The following is an entry in ClinVar:

ClinVar aggregate classification (germline): Benign (1 of 4 stars; one submission).

gnomAD v4.1: 44,628 of 1,247,166 alleles (3.6%); highest among the groups gnomAD compares: Non-Finnish European, 4%; 754 homozygotes.

Submission:

Mayo Clinic Laboratories, Mayo Clinic
Classification: Benign. Last evaluated: 2023-08-28. Review status: criteria provided, single submitter. Criteria: ACMG Guidelines, 2015. Collection method: clinical testing. Allele origin: germline. Observed: 2 variant alleles.
Comment: BS1, BS2, BP4, BP7

NM_005357.4(LIPE):c.3171C>T (p.Ala1057=)

Genes: LIPE (lipase E, hormone sensitive type; minus strand), LIPE-AS1 (LIPE antisense RNA 1; plus strand), LOC101930071 (uncharacterized LOC101930071; plus strand). Cytogenetic location: 19q13.2.
Variant type: single nucleotide variant.
Coding change: c.3171C>T on transcript NM_005357.4 (MANE Select); coding-DNA position 3171, C replaced by T.
Protein change: p.Ala1057=; no amino-acid change (alanine 1057 retained).
Molecular consequence: synonymous variant.
Genome position (GRCh38, 1-based): chr19:42,401,872, G>A on the plus strand (C>T on the coding strand, the complement: LIPE is on the minus strand). VCF-style: chr19-42401872-G-A. GRCh37 (hg19) VCF-style: chr19-42906024-G-A.
Other names: p.Ala1057=; c.2421C>T, p.Ala807= (NM_001416100.1); c.2406C>T, p.Ala802= (NM_001416101.1); c.2301C>T, p.Ala767= (NM_001416102.1); c.2268C>T, p.Ala756= (NM_001416103.1, NM_001416104.1); c.2178C>T, p.Ala726= (NM_001416105.1); c.2073C>T, p.Ala691= (NM_001416106.1); c.1584C>T, p.Ala528= (NM_001416107.1); and 1 more.
Identifiers: ClinVar variation 4684378 (VCV004684378.1).